The following is an entry in ClinVar:

ClinVar aggregate classification (germline): Pathogenic (1 of 4 stars; one submission).

Conditions:
Hereditary diffuse gastric adenocarcinoma (HDGC). Also called: DIFFUSE GASTRIC AND LOBULAR BREAST CANCER SYNDROME. Identifiers: Orphanet 26106, MedGen C1708349, MONDO:0007648, OMIM 137215.

Submission:

Labcorp Genetics (formerly Invitae), Labcorp
Classification: Pathogenic for Hereditary diffuse gastric adenocarcinoma. Last evaluated: 2016-12-22. Review status: criteria provided, single submitter. Criteria: Invitae Variant Classification Sherloc (09022015). Collection method: clinical testing. Allele origin: germline.
Comment: A gross deletion of the genomic region encompassing the full coding sequence of the CDH1 gene has been identified. The boundaries of this event are unknown as the deletion extends beyond the assayed region for this gene and therefore may encompass additional genes. While this particular variant has not been reported in the literature, loss-of-function variants in CDH1 are known to be pathogenic (PMID: 15235021, 20373070). For these reasons, this variant has been classified as Pathogenic.

NC_000016.10:g.(?_68737292)_(68835541_?)del

Genes: CDH1 (cadherin 1; plus strand), LOC128772405 (melanoma risk locus-associated MPRA allelic enhancer 16:68792712; plus strand), LOC128772406 (melanoma risk locus-associated MPRA allelic enhancer 16:68799944; plus strand), LOC128772407 (melanoma risk locus-associated MPRA allelic enhancer 16:68803726; plus strand), LOC128772408 (melanoma risk locus-associated MPRA allelic enhancer 16:68808283; plus strand) and 21 more. Cytogenetic location: 16q22.1.
Variant type: Deletion.
Identifiers: ClinVar variation 417388 (VCV000417388.1).